The following is an entry in ClinVar:

ClinVar aggregate classification (germline): Uncertain significance (1 of 4 stars; one submission).

Allele frequency attached by ClinVar (database versions not stated): gnomAD exomes below 0.00001.
gnomAD v4.1: 2 of 1,613,502 alleles (0.00012%); highest among the groups gnomAD compares: Non-Finnish European, 0.00017%; no homozygotes.

Submission:

GeneDx
Classification: Uncertain significance. Last evaluated: 2020-08-25. Review status: criteria provided, single submitter. Criteria: GeneDx Variant Classification Process June 2021. Collection method: clinical testing. Allele origin: germline. Affected: yes.
Comment: Not observed in large population cohorts (Lek et al., 2016); Missense variant in a gene in which most reported pathogenic variants are truncating/loss-of-function; Has not been previously published as pathogenic or benign to our knowledge

NM_001267550.2(TTN):c.16447T>C (p.Trp5483Arg)

Gene: TTN (titin; minus strand). Cytogenetic location: 2q31.2.
Variant type: single nucleotide variant.
Coding change: c.16447T>C on transcript NM_001267550.2 (MANE Select); coding-DNA position 16447, T replaced by C.
Protein change: p.Trp5483Arg; replaces tryptophan 5483 with arginine.
Molecular consequence: missense variant. On other transcripts: intron variant (3).
Genome position (GRCh38, 1-based): chr2:178,732,614, A>G on the plus strand (T>C on the coding strand, the complement: TTN is on the minus strand). VCF-style: chr2-178732614-A-G. GRCh37 (hg19) VCF-style: chr2-179597341-A-G.
Other names: c.15496T>C, p.Trp5166Arg (NM_001256850.1); c.12715T>C, p.Trp4239Arg (NM_133378.4); c.13282+5468T>C (NM_003319.4); c.13858+5468T>C (NM_133437.4); c.13657+5468T>C (NM_133432.3); short protein forms W4239R, W5166R, W5483R.
Identifiers: ClinVar variation 1204144 (VCV001204144.3), dbSNP rs72648938, ClinGen allele CA60979754.